The following is an entry in ClinVar:

NM_000246.4(CIITA):c.1484T>G (p.Leu495Arg)

Gene: CIITA (class II major histocompatibility complex transactivator; plus strand). Cytogenetic location: 16p13.13.
Variant type: single nucleotide variant.
Coding change: c.1484T>G on transcript NM_000246.4 (MANE Select); coding-DNA position 1484, T replaced by G.
Protein change: p.Leu495Arg; replaces leucine 495 with arginine.
Molecular consequence: missense variant. On other transcripts: intron variant (1).
Genome position (GRCh38, 1-based): chr16:10,906,976, T>G. VCF-style: chr16-10906976-T-G. GRCh37 (hg19) VCF-style: chr16-11000833-T-G.
Other names: c.1487T>G, p.Leu496Arg (NM_001286402.1, NM_001379332.1); c.1340T>G, p.Leu447Arg (NM_001379330.1); c.1337T>G, p.Leu446Arg (NM_001379331.1); c.1484T>G, p.Leu495Arg (NM_001379333.1); c.1415T>G, p.Leu472Arg (NM_001379334.1); c.860-2007T>G (NM_001286403.2); short protein forms L472R, L447R, L496R, L495R, L446R.
Identifiers: ClinVar variation 2137784 (VCV002137784.1), dbSNP rs756482982, ClinGen allele CA7900143.

ClinVar aggregate classification (germline): Uncertain significance (1 of 4 stars; one submission).

Conditions:
MHC class II deficiency. Also called: Bare lymphocyte syndrome 2; BLS, TYPE II. Identifiers: Orphanet 572, MedGen C5447452, MONDO:0008855.

Allele frequency attached by ClinVar (database versions not stated): gnomAD 0.00001; TOPMed 0.00002; gnomAD exomes below 0.00001; ExAC 0.00001.
gnomAD v4.1: 3 of 1,612,198 alleles (0.00019%); highest among the groups gnomAD compares: African/African-American, 0.0013%; no homozygotes.

Submission:

Labcorp Genetics (formerly Invitae), Labcorp
Classification: Uncertain significance for MHC class II deficiency. Last evaluated: 2022-04-19. Review status: criteria provided, single submitter. Criteria: Invitae Variant Classification Sherloc (09022015). Collection method: clinical testing. Allele origin: germline.
Comment: This sequence change replaces leucine, which is neutral and non-polar, with arginine, which is basic and polar, at codon 495 of the CIITA protein (p.Leu495Arg). This variant is present in population databases (rs756482982, gnomAD 0.0009%). This missense change has been observed in individual(s) with MHC class II deficiency (PMID: 27484032). Algorithms developed to predict the effect of missense changes on protein structure and function (SIFT, PolyPhen-2, Align-GVGD) all suggest that this variant is likely to be disruptive. In summary, the available evidence is currently insufficient to determine the role of this variant in disease. Therefore, it has been classified as a Variant of Uncertain Significance.

Literature cited by the submitters: PubMed 27484032.